The following is an entry in ClinVar:

NM_000081.4(LYST):c.1829A>T (p.His610Leu)

Gene: LYST (lysosomal trafficking regulator; minus strand). Cytogenetic location: 1q42.3.
Variant type: single nucleotide variant.
Coding change: c.1829A>T on transcript NM_000081.4 (MANE Select); coding-DNA position 1829, A replaced by T.
Protein change: p.His610Leu; replaces histidine 610 with leucine.
Molecular consequence: missense variant.
Genome position (GRCh38, 1-based): chr1:235,808,989, T>A on the plus strand (A>T on the coding strand, the complement: LYST is on the minus strand). VCF-style: chr1-235808989-T-A. GRCh37 (hg19) VCF-style: chr1-235972289-T-A.
Other names: c.1829A>T, p.His610Leu (NM_001301365.1); short protein forms H610L.
Identifiers: ClinVar variation 454482 (VCV000454482.10), dbSNP rs145298434, ClinGen allele CA1467395.

ClinVar aggregate classification (germline): Conflicting classifications of pathogenicity. Review status: criteria provided, conflicting classifications (1 of 4 stars). 4 submissions from 4 submitters: Uncertain significance (2); Likely benign (2). Last evaluated 2026-04-29.

Conditions:
Chédiak-Higashi syndrome (CHS). Also called: Chediak-Higashi Syndrome. Identifiers: Orphanet 167, MedGen C0007965, MONDO:0008963, OMIM 214500.

Allele frequency attached by ClinVar (database versions not stated): ESP Exome Variant Server 0.00015; ExAC 0.00026.
gnomAD v4.1: 331 of 1,614,010 alleles (0.021%); highest among the groups gnomAD compares: Non-Finnish European, 0.016%; no homozygotes.

Submissions (4):

Women's Health and Genetics/Laboratory Corporation of America, LabCorp
Classification: Likely benign. Last evaluated: 2026-04-29. Review status: criteria provided, single submitter. Criteria: LabCorp Variant Classification Summary - May 2015. Collection method: clinical testing. Allele origin: germline.
Comment: Variant summary: LYST c.1829A>T (p.His610Leu) results in a non-conservative amino acid change in the encoded protein sequence. Algorithms developed to predict the effect of missense changes on protein structure and function are either unavailable or do not agree on the potential impact of this missense change. The variant allele was found at a frequency of 0.00021 in 1607016 control chromosomes, predominantly at a frequency of 0.002 within the Finnish subpopulation in the gnomAD v4 database. The observed variant frequency within Finnish control individuals in the gnomAD v4 database exceeds the estimated maximal expected allele frequency for disease-causing variants in LYST. To our knowledge, no occurrence of c.1829A>T in individuals affected with LYST-related conditions and no experimental evidence demonstrating its impact on protein function have been reported. ClinVar contains an entry for this variant (Variation ID: 454482). Based on the evidence outlined above, the variant was classified as likely benign.

Labcorp Genetics (formerly Invitae), Labcorp
Classification: Uncertain significance for Chédiak-Higashi syndrome. Last evaluated: 2025-01-29. Review status: criteria provided, single submitter. Criteria: Invitae Variant Classification Sherloc (09022015). Collection method: clinical testing. Allele origin: germline.
Comment: This sequence change replaces histidine, which is basic and polar, with leucine, which is neutral and non-polar, at codon 610 of the LYST protein (p.His610Leu). This variant is present in population databases (rs145298434, gnomAD 0.2%). This variant has not been reported in the literature in individuals affected with LYST-related conditions. ClinVar contains an entry for this variant (Variation ID: 454482). Invitae Evidence Modeling of protein sequence and biophysical properties (such as structural, functional, and spatial information, amino acid conservation, physicochemical variation, residue mobility, and thermodynamic stability) indicates that this missense variant is not expected to disrupt LYST protein function with a negative predictive value of 80%. In summary, the available evidence is currently insufficient to determine the role of this variant in disease. Therefore, it has been classified as a Variant of Uncertain Significance.

Blueprint Genetics
Classification: Likely benign. Last evaluated: 2024-10-31. Review status: criteria provided, single submitter. Criteria: ACMG Guidelines, 2015. Collection method: clinical testing. Allele origin: germline.

Center for Genomics, Ann and Robert H. Lurie Children's Hospital of Chicago
Classification: Uncertain significance for Chédiak-Higashi syndrome. Last evaluated: 2022-11-09. Review status: criteria provided, single submitter. Criteria: ACMG Guidelines, 2015. Collection method: clinical testing. Allele origin: germline.
Comment: This variant has not been reported in the literature but is present in the Genome Aggregation Database (Highest reported MAF 0.09% [10/10620]). This variant is present in ClinVar (Variation ID: 454482). Evolutionary conservation and computational prediction tools suggest that this variant may not impact the protein. In summary, data on this variant is insufficient for disease classification. Therefore, the clinical significance of this variant is uncertain.